The following is an entry in ClinVar:

NM_004963.4(GUCY2C):c.810T>G (p.Ile270Met)

Genes: GUCY2C (guanylate cyclase 2C; minus strand), GUCY2C-AS1 (GUCY2C antisense RNA 1; plus strand). Cytogenetic location: 12p12.3.
Variant type: single nucleotide variant.
Coding change: c.810T>G on transcript NM_004963.4 (MANE Select); coding-DNA position 810, T replaced by G.
Protein change: p.Ile270Met; replaces isoleucine 270 with methionine.
Molecular consequence: missense variant.
Genome position (GRCh38, 1-based): chr12:14,679,677, A>C on the plus strand (T>G on the coding strand, the complement: GUCY2C is on the minus strand). VCF-style: chr12-14679677-A-C. GRCh37 (hg19) VCF-style: chr12-14832611-A-C.
Other names: short protein forms I270M.
Identifiers: ClinVar variation 2806214 (VCV002806214.3), dbSNP rs2497789619, ClinGen allele CA384004607.

ClinVar aggregate classification (germline): Uncertain significance (1 of 4 stars; one submission).

Submission:

Labcorp Genetics (formerly Invitae), Labcorp
Classification: Uncertain significance. Last evaluated: 2026-01-18. Review status: criteria provided, single submitter. Criteria: Invitae Variant Classification Sherloc (09022015). Collection method: clinical testing. Allele origin: germline.
Comment: This sequence change replaces isoleucine, which is neutral and non-polar, with methionine, which is neutral and non-polar, at codon 270 of the GUCY2C protein (p.Ile270Met). This variant is not present in population databases (gnomAD no frequency). This variant has not been reported in the literature in individuals affected with GUCY2C-related conditions. ClinVar contains an entry for this variant (Variation ID: 2806214). Invitae Evidence Modeling of protein sequence and biophysical properties (such as structural, functional, and spatial information, amino acid conservation, physicochemical variation, residue mobility, and thermodynamic stability) has been performed for this missense variant. However, the output from this modeling did not meet the statistical confidence thresholds required to predict the impact of this variant on GUCY2C protein function. In summary, the available evidence is currently insufficient to determine the role of this variant in disease. Therefore, it has been classified as a Variant of Uncertain Significance.